The following is an entry in ClinVar:

NM_152703.5(SAMD9L):c.795T>A (p.Asn265Lys)

Gene: SAMD9L (sterile alpha motif domain containing 9 like; minus strand). Cytogenetic location: 7q21.2.
Variant type: single nucleotide variant.
Coding change: c.795T>A on transcript NM_152703.5 (MANE Select); coding-DNA position 795, T replaced by A.
Protein change: p.Asn265Lys; replaces asparagine 265 with lysine.
Molecular consequence: missense variant.
Genome position (GRCh38, 1-based): chr7:93,135,177, A>T on the plus strand (T>A on the coding strand, the complement: SAMD9L is on the minus strand). VCF-style: chr7-93135177-A-T. GRCh37 (hg19) VCF-style: chr7-92764490-A-T.
Other names: c.795T>A, p.Asn265Lys (NM_001303496.3, NM_001303497.3, NM_001303498.3 and 5 more transcripts); short protein forms N265K.
Identifiers: ClinVar variation 5028999 (VCV005028999.1).

ClinVar aggregate classification (germline): Uncertain significance (1 of 4 stars; one submission).

Conditions:
Inborn genetic diseases. Identifiers: MedGen C0950123, MeSH D030342.

Submission:

Ambry Genetics
Classification: Uncertain significance for Inborn genetic diseases. Last evaluated: 2026-09-14. Review status: criteria provided, single submitter. Criteria: Ambry Variant Classification Scheme 2023. Collection method: clinical testing. Allele origin: germline.
Comment: The p.N265K variant (also known as c.795T>A), located in coding exon 1 of the SAMD9L gene, results from a T to A substitution at nucleotide position 795. The asparagine at codon 265 is replaced by lysine, an amino acid with similar properties. This amino acid position is conserved. In addition, this alteration is predicted to be tolerated by in silico analysis. Based on the available evidence, the clinical significance of this variant remains unclear.